The following is an entry in ClinVar:

ClinVar aggregate classification (germline): Uncertain significance (1 of 4 stars; one submission).

Conditions:
Inborn genetic diseases. Identifiers: MedGen C0950123, MeSH D030342.

gnomAD v4.1: 1 of 1,534,790 alleles (0.000065%); highest among the groups gnomAD compares: African/African-American, 0.0014%; no homozygotes.

Submission:

Ambry Genetics
Classification: Uncertain significance for Inborn genetic diseases. Last evaluated: 2026-07-27. Review status: criteria provided, single submitter. Criteria: Ambry Variant Classification Scheme 2023. Collection method: clinical testing. Allele origin: germline.
Comment: The p.E1328K variant (also known as c.3982G>A), located in coding exon 28 of the ANKRD26 gene, results from a G to A substitution at nucleotide position 3982. The glutamic acid at codon 1328 is replaced by lysine, an amino acid with similar properties. This amino acid position is conserved. In addition, this alteration is predicted to be tolerated by in silico analysis. Based on the available evidence, the clinical significance of this variant remains unclear.

NM_014915.3(ANKRD26):c.3982G>A (p.Glu1328Lys)

Gene: ANKRD26 (ankyrin repeat domain 26; minus strand). Cytogenetic location: 10p12.1.
Variant type: single nucleotide variant.
Coding change: c.3982G>A on transcript NM_014915.3 (MANE Select); coding-DNA position 3982, G replaced by A.
Protein change: p.Glu1328Lys; replaces glutamic acid 1328 with lysine.
Molecular consequence: missense variant.
Genome position (GRCh38, 1-based): chr10:27,024,550, C>T on the plus strand (G>A on the coding strand, the complement: ANKRD26 is on the minus strand). VCF-style: chr10-27024550-C-T. GRCh37 (hg19) VCF-style: chr10-27313479-C-T.
Other names: c.3979G>A, p.Glu1327Lys (NM_001256053.2); short protein forms E1327K, E1328K.
Identifiers: ClinVar variation 5023347 (VCV005023347.1).
Genomic context (GRCh38, chr10:27,024,550, plus strand): 5'-GATCCAAATTACATTCCAGTGACTGTTTTAATTCCATAAGTTTCTTTAATTGTTCCTTTT[C>T]ATCTTCAGACTTTGAAACAAAATATTTTCAATTACTTTTAAAACTCTGGAAACACTTTTT-3'
Protein context (NP_055730.2, residues 1318-1338): NLLNANLSED[Glu1328Lys]KEQLKKLMEL